The following is an entry in ClinVar:

NM_206933.4(USH2A):c.11206G>A (p.Asp3736Asn)

Gene: USH2A (usherin; minus strand). Cytogenetic location: 1q41.
Variant type: single nucleotide variant.
Coding change: c.11206G>A on transcript NM_206933.4 (MANE Select); coding-DNA position 11206, G replaced by A.
Protein change: p.Asp3736Asn; replaces aspartic acid 3736 with asparagine.
Molecular consequence: missense variant.
Genome position (GRCh38, 1-based): chr1:215,759,685, C>T on the plus strand (G>A on the coding strand, the complement: USH2A is on the minus strand). VCF-style: chr1-215759685-C-T. GRCh37 (hg19) VCF-style: chr1-215933027-C-T.
Other names: c.11206G>A (NM_206933.2); short protein forms D3736N.
Identifiers: ClinVar variation 1492289 (VCV001492289.6), dbSNP rs1373104511, ClinGen allele CA344822510.

ClinVar aggregate classification (germline): Uncertain significance. Review status: criteria provided, multiple submitters, no conflicts (2 of 4 stars). 5 submissions from 4 submitters: Uncertain significance (5). Last evaluated 2025-09-16.

Conditions:
Retinitis pigmentosa 39 (RP39). Identifiers: Orphanet 791, MedGen C3151138, MONDO:0013436, OMIM 613809.
Usher syndrome type 2A. Also called: USHER SYNDROME, TYPE IIA; RETINAL DISEASE IN USHER SYNDROME TYPE IIA, MODIFIER OF. Identifiers: Orphanet 231178, Orphanet 886, MedGen C1848634, MONDO:0010169, OMIM 276901.
USH2A-related disorder. Also called: USH2A-related condition; USH2A-related disorders. Identifiers: MedGen CN239332.

Allele frequency attached by ClinVar (database versions not stated): gnomAD exomes below 0.00001; gnomAD 0.00001; TOPMed 0.00001.
gnomAD v4.1: 2 of 1,613,840 alleles (0.00012%); highest among the groups gnomAD compares: African/African-American, 0.0027%; no homozygotes.

Submissions (5):

PreventionGenetics, part of Exact Sciences
Classification: Uncertain significance for USH2A-related condition. Last evaluated: 2025-09-16. Review status: criteria provided, single submitter. Criteria: ACMG Guidelines, 2015. Collection method: clinical testing. Allele origin: germline.
Comment: The USH2A c.11206G>A variant is predicted to result in the amino acid substitution p.Asp3736Asn. This variant has been reported in the heterozygous state along with a deletion of exons 46-48 of the USH2A gene in an individual with inherited retinal disease (Table S1, Lin et al. 2024. PubMed ID: 38219857). This variant has not been reported in a large population database (gnomAD), indicating this variant is rare. At this time, the clinical significance of this variant is uncertain due to the absence of conclusive functional and genetic evidence.

Genome-Nilou Lab
Classification: Uncertain significance for Retinitis pigmentosa 39. Last evaluated: 2023-11-04. Review status: criteria provided, single submitter. Criteria: ACMG Guidelines, 2015. Collection method: clinical testing. Allele origin: germline. Affected: no.

Genome-Nilou Lab
Classification: Uncertain significance for Usher syndrome type 2A. Last evaluated: 2023-11-04. Review status: criteria provided, single submitter. Criteria: ACMG Guidelines, 2015. Collection method: clinical testing. Allele origin: germline. Affected: no.

Labcorp Genetics (formerly Invitae), Labcorp
Classification: Uncertain significance. Last evaluated: 2022-10-13. Review status: criteria provided, single submitter. Criteria: Invitae Variant Classification Sherloc (09022015). Collection method: clinical testing. Allele origin: germline.
Comment: This sequence change replaces aspartic acid, which is acidic and polar, with asparagine, which is neutral and polar, at codon 3736 of the USH2A protein (p.Asp3736Asn). This variant is not present in population databases (gnomAD no frequency). This variant has not been reported in the literature in individuals affected with USH2A-related conditions. ClinVar contains an entry for this variant (Variation ID: 1492289). Advanced modeling of protein sequence and biophysical properties (such as structural, functional, and spatial information, amino acid conservation, physicochemical variation, residue mobility, and thermodynamic stability) performed at Invitae indicates that this missense variant is expected to disrupt USH2A protein function. In summary, the available evidence is currently insufficient to determine the role of this variant in disease. Therefore, it has been classified as a Variant of Uncertain Significance.

Fulgent Genetics
Classification: Uncertain significance for Usher syndrome type 2A; Retinitis pigmentosa 39. Last evaluated: 2022-04-29. Review status: criteria provided, single submitter. Criteria: ACMG Guidelines, 2015. Collection method: clinical testing. Allele origin: unknown.